The following is an entry in ClinVar:

ClinVar aggregate classification (germline): Pathogenic/Likely pathogenic. Review status: criteria provided, multiple submitters, no conflicts (2 of 4 stars). 4 submissions from 4 submitters: Pathogenic (1); Likely pathogenic (2). 1 of the submissions does not count toward it. Last evaluated 2023-06-14.
ClinVar aggregate classification (somatic clinical impact): Tier I - Strong (1 of 4 stars; one submission).

Conditions:
Cardiovascular phenotype. Identifiers: MedGen CN230736.
Noonan syndrome 6 (NS6). Also called: NRAS-Related Noonan Syndrome. Identifiers: Orphanet 648, MedGen C2750732, MONDO:0013186, OMIM 613224.
Sinus histiocytosis with massive lymphadenopathy. Also called: Rosai-Dorfman disease; Histiocytosis, Sinus. Identifiers: Orphanet 158014, MedGen C0019625, MONDO:0006412.

Submissions (5):

Institute for Genomic Medicine (IGM) Clinical Laboratory, Nationwide Children's Hospital
Classification: Tier I - Strong for Sinus histiocytosis with massive lymphadenopathy. Assertion type: diagnostic. Clinical significance: supports diagnosis. Last evaluated: 2024-11-19. Review status: criteria provided, single submitter. Criteria: AMP/ASCO/CAP Guidelines, 2017. Collection method: clinical testing. Allele origin: somatic. Affected: yes.
Comment: Variant has Tier I (strong) clinical significance as a diagnostic inclusion criterion in sinus histiocytosis with massive lymphadenopathy, based on the following evidence: 1) Documented in one or more cancer databases (e.g., St. Jude Pecan, COSMIC, CIViC, OncoKB). 2) Appears in one or more well-established professional guidelines (e.g., World Health Organization [WHO]; National Comprehensive Cancer Network [NCCN]) as providing diagnostic, prognostic, or therapeutic information. 3) Information in the literature supports potential biologic effect of variant (PMIDs: 3043178, 3540608, 35202574). 4) Diagnostic for a specific tumor type/classification based on well-powered studies with expert-level consensus (Evidence Level B; PMIDs: 26566875, 31768065, 29720485, 32601132).

3billion
Classification: Likely pathogenic for Noonan syndrome 6. Last evaluated: 2023-06-14. Review status: criteria provided, single submitter. Criteria: ACMG Guidelines, 2015. Collection method: clinical testing. Allele origin: germline. Affected: yes.
Comment: The variant is not observed in the gnomAD v2.1.1 dataset. Predicted Consequence/Location: Missense changes are a common disease-causing mechanism. In silico tool predictions suggest damaging effect of the variant on gene or gene product (REVEL: 0.87; 3Cnet: 0.99). Same nucleotide change resulting in same amino acid change has been previously reported as pathogenic/likely pathogenic with strong evidence (ClinVar ID: VCV000040473). A different missense change at the same codon (p.Ala59Asp) has been reported to be associated with NRAS related disorder (ClinVar ID: VCV000812886 /PMID: 32581362). Therefore, this variant is classified as Likely pathogenic according to the recommendation of ACMG/AMP guideline.

Victorian Clinical Genetics Services, Murdoch Childrens Research Institute
Classification: Pathogenic for Noonan syndrome 6. Last evaluated: 2020-05-21. Review status: criteria provided, single submitter. Criteria: ACMG Guidelines, 2015. Collection method: clinical testing. Allele origin: germline. Inheritance: Autosomal dominant inheritance. Affected: yes.
Comment: Based on the classification scheme VCGS_Germline_v0.6.1, this variant is classified as Pathogenic. Following criteria are met: 0101 - Gain of function is a known mechanism of disease for this gene. (N) 0107 - This gene is known to be associated with autosomal dominant disease. (N) 0200 - Variant is predicted to result in a missense amino acid change from alanine to threonine (exon 3). (N) 0301 - Variant is absent from gnomAD. (P) 0501 - Missense variant consistently predicted to be damaging by in silico tools or highly conserved with a major amino acid change. (P) 0600 - Variant is located in an annotated domain or motif that does not have a well established function (switch II functional domain; PMID: 28594414). (N) 0602 - Variant affects known somatic hotspot region or cluster of pathogenic variants. However, germline variants on the somatic hotspots have been reported to cause Noonan (PMID: 28594414). (P) 0705 - No comparable variants in relevant codon/region have previous evidence for pathogenicity. (N) 0803 - Low previous evidence of pathogenicity in unrelated individuals. This variant has been reported likely pathogenic once (ClinVar). (P) 0905 - No published segregation evidence has been identified for this variant. (N) 1007 - No published functional evidence has been identified for this variant. (N) 1204 - De Novo Variant (Parental status not tested but assumed). (P) Legend: (P) - Pathogenic, (N) - Neutral, (B) - Benign

GeneDx
Classification: Likely pathogenic. Last evaluated: 2013-11-23. Review status: criteria provided, single submitter. Criteria: GeneDx Variant Classification (06012015). Collection method: clinical testing. Allele origin: germline. Affected: yes.
Comment: The variant is denoted p.Ala59Thr (GCT>ACT): c.175 G>A in exon 3 of the NRAS gene (NM_002524.3). An A59T missense change was identified in the NRAS gene. It has not been published as a germline mutation, nor has it been reported as a benign polymorphism to our knowledge. The A59T amnio acid substitution is non-conservative with a non-polar residue (Ala) being replaced by a polar residue (Thr) at a position that is within a highly conserved GTP-binding domain in the NRAS protein. The A59T variant has been reported previously as a somatic mutation in association with neuroblastoma (Catalogue of Somatic Mutations in Cancer). Another missense mutation in a neighboring codon (G60E) has been reported in association with Noonan syndrome (Cirstrea et al., 2010 ). The NHLBI ESP Exome Variant Server reports that A59T was not observed in approximately 5,000 samples from individuals of European and African American backgrounds, indicating it is not a common benign variant in these populations. Therefore, A59T is a strong candidate for a disease-causing mutation; however, the possibility that it is a benign variant cannot be excluded. The variant is found in NOONAN panel(s).

Ambry Genetics
Classification: Uncertain significance for Cardiovascular phenotype. Last evaluated: 2019-03-04. Review status: flagged submission. Criteria: Ambry Variant Classification Scheme 2023. Collection method: clinical testing. Allele origin: germline. Not counted in ClinVar's aggregate classification.
ClinVar note: Reason: Outlier claim with insufficient supporting evidence

Literature cited by the submitters: PubMed 3043178 (cited by Institute for Genomic Medicine (IGM) Clinical Laboratory, Nationwide Children's Hospital); PubMed 3540608 (cited by Institute for Genomic Medicine (IGM) Clinical Laboratory, Nationwide Children's Hospital); PubMed 35202574 (cited by Institute for Genomic Medicine (IGM) Clinical Laboratory, Nationwide Children's Hospital); PubMed 26566875 (cited by Institute for Genomic Medicine (IGM) Clinical Laboratory, Nationwide Children's Hospital); PubMed 31768065 (cited by Institute for Genomic Medicine (IGM) Clinical Laboratory, Nationwide Children's Hospital); PubMed 29720485 (cited by Institute for Genomic Medicine (IGM) Clinical Laboratory, Nationwide Children's Hospital); PubMed 32601132 (cited by Institute for Genomic Medicine (IGM) Clinical Laboratory, Nationwide Children's Hospital); PubMed 32581362 (cited by 3billion); PubMed 28594414 (cited by Victorian Clinical Genetics Services, Murdoch Childrens Research Institute).

NM_002524.5(NRAS):c.175G>A (p.Ala59Thr)

Gene: NRAS (NRAS proto-oncogene, GTPase; minus strand). Cytogenetic location: 1p13.2.
Variant type: single nucleotide variant.
Coding change: c.175G>A on transcript NM_002524.5 (MANE Select); coding-DNA position 175, G replaced by A.
Protein change: p.Ala59Thr; replaces alanine 59 with threonine.
Molecular consequence: missense variant.
Genome position (GRCh38, 1-based): chr1:114,713,915, C>T on the plus strand (G>A on the coding strand, the complement: NRAS is on the minus strand). VCF-style: chr1-114713915-C-T. GRCh37 (hg19) VCF-style: chr1-115256536-C-T.
Other names: p.A59T:GCT>ACT; c.175G>A (LRG_92t1); short protein forms A59T.
Identifiers: ClinVar variation 40473 (VCV000040473.6), dbSNP rs730880965, ClinGen allele CA297023.